The following is an entry in ClinVar:

NM_001376.5(DYNC1H1):c.10703C>T (p.Pro3568Leu)

Gene: DYNC1H1 (dynein cytoplasmic 1 heavy chain 1; plus strand). Cytogenetic location: 14q32.31.
Variant type: single nucleotide variant.
Coding change: c.10703C>T on transcript NM_001376.5 (MANE Select); coding-DNA position 10703, C replaced by T.
Protein change: p.Pro3568Leu; replaces proline 3568 with leucine.
Molecular consequence: missense variant.
Genome position (GRCh38, 1-based): chr14:102,034,401, C>T. VCF-style: chr14-102034401-C-T. GRCh37 (hg19) VCF-style: chr14-102500738-C-T.
Other names: short protein forms P3568L.
Identifiers: ClinVar variation 658002 (VCV000658002.13), dbSNP rs148203153, ClinGen allele CA266970409.

ClinVar aggregate classification (germline): Uncertain significance. Review status: criteria provided, multiple submitters, no conflicts (2 of 4 stars). 2 submissions from 2 submitters: Uncertain significance (2). Last evaluated 2024-11-05.

Conditions:
Charcot-Marie-Tooth disease axonal type 2O. Also called: CHARCOT-MARIE-TOOTH NEUROPATHY, AXONAL, TYPE 2O; CHARCOT-MARIE-TOOTH DISEASE, AXONAL, AUTOSOMAL DOMINANT, TYPE 2O; Charcot-Marie-Tooth Neuropathy Type 2O; Charcot-Marie-Tooth disease, axonal, type 20. Identifiers: Orphanet 284232, MedGen C3280220, MONDO:0013644, OMIM 614228.

Allele frequency attached by ClinVar (database versions not stated): gnomAD exomes below 0.00001; gnomAD 0.00001; TOPMed 0.00001; ESP Exome Variant Server 0.00008.
gnomAD v4.1: 4 of 1,613,848 alleles (0.00025%); highest among the groups gnomAD compares: Non-Finnish European, 0.00025%; no homozygotes.

Submissions (2):

GeneDx
Classification: Uncertain significance. Last evaluated: 2024-11-05. Review status: criteria provided, single submitter. Criteria: GeneDx Variant Classification Process June 2021. Collection method: clinical testing. Allele origin: germline. Affected: yes.
Comment: Not observed at significant frequency in large population cohorts (gnomAD); In silico analysis supports that this missense variant has a deleterious effect on protein structure/function; Has not been previously published as pathogenic or benign to our knowledge; This variant is associated with the following publications: (PMID: 25512093, 25609763, 26100331)

Labcorp Genetics (formerly Invitae), Labcorp
Classification: Uncertain significance for Charcot-Marie-Tooth disease axonal type 2O. Last evaluated: 2022-11-22. Review status: criteria provided, single submitter. Criteria: Invitae Variant Classification Sherloc (09022015). Collection method: clinical testing. Allele origin: germline.
Comment: This variant has not been reported in the literature in individuals affected with DYNC1H1-related conditions. In summary, the available evidence is currently insufficient to determine the role of this variant in disease. Therefore, it has been classified as a Variant of Uncertain Significance. Advanced modeling of protein sequence and biophysical properties (such as structural, functional, and spatial information, amino acid conservation, physicochemical variation, residue mobility, and thermodynamic stability) performed at Invitae indicates that this missense variant is expected to disrupt DYNC1H1 protein function. ClinVar contains an entry for this variant (Variation ID: 658002). This variant is not present in population databases (gnomAD no frequency). This sequence change replaces proline, which is neutral and non-polar, with leucine, which is neutral and non-polar, at codon 3568 of the DYNC1H1 protein (p.Pro3568Leu).